The following is an entry in ClinVar:

NM_001166108.2(PALLD):c.3074A>T (p.Lys1025Ile)

Genes: CBR4 (carbonyl reductase 4; minus strand), PALLD (palladin, cytoskeletal associated protein; plus strand). Cytogenetic location: 4q32.3.
Variant type: single nucleotide variant.
Coding change: c.3074A>T on transcript NM_001166108.2 (MANE Select); coding-DNA position 3074, A replaced by T.
Protein change: p.Lys1025Ile; replaces lysine 1025 with isoleucine.
Molecular consequence: missense variant.
Genome position (GRCh38, 1-based): chr4:168,924,270, A>T. VCF-style: chr4-168924270-A-T. GRCh37 (hg19) VCF-style: chr4-169845421-A-T.
Other names: c.1877A>T, p.Lys626Ile (NM_001166109.2); c.1562A>T, p.Lys521Ile (NM_001166110.2); c.902A>T, p.Lys301Ile (NM_001367567.1, NM_001367569.1); c.953A>T, p.Lys318Ile (NM_001367568.1, NM_001367570.1); c.3023A>T, p.Lys1008Ile (NM_016081.4); short protein forms K1008I, K626I, K1025I, K301I, K521I, K318I.
Identifiers: ClinVar variation 3304111 (VCV003304111.1).

ClinVar aggregate classification (germline): Uncertain significance (1 of 4 stars; one submission).

gnomAD v4.1: 1 of 1,613,974 alleles (0.000062%); highest among the groups gnomAD compares: Non-Finnish European, 0.000085%; no homozygotes.

Submission:

Ambry Genetics
Classification: Uncertain significance. Last evaluated: 2024-06-02. Review status: criteria provided, single submitter. Criteria: Ambry Variant Classification Scheme 2023. Collection method: clinical testing. Allele origin: germline.
Comment: The p.K1008I variant (also known as c.3023A>T), located in coding exon 17 of the PALLD gene, results from an A to T substitution at nucleotide position 3023. The lysine at codon 1008 is replaced by isoleucine, an amino acid with dissimilar properties. This amino acid position is conserved. In addition, the in silico prediction for this alteration is inconclusive. Based on the available evidence, the clinical significance of this variant remains unclear.